The following is an entry in ClinVar:

ClinVar aggregate classification (germline): Conflicting classifications of pathogenicity. Review status: criteria provided, conflicting classifications (1 of 4 stars). 3 submissions from 3 submitters: Pathogenic (2); Uncertain significance (1). Last evaluated 2025-08-13.

Conditions:
Wiedemann-Steiner syndrome (WDSTS). Also called: Growth deficiency and mental retardation with facial dysmorphism. Identifiers: Orphanet 319182, MedGen C1854630, MONDO:0011518, OMIM 605130.

Submissions (3):

GeneDx
Classification: Pathogenic. Last evaluated: 2025-08-13. Review status: criteria provided, single submitter. Criteria: GeneDx Variant Classification Process June 2021. Collection method: clinical testing. Allele origin: germline. Affected: yes.
Comment: Not observed at significant frequency in large population cohorts (gnomAD); In silico analysis supports a deleterious effect on splicing; Has not been previously published as pathogenic or benign to our knowledge; This variant is associated with the following publications: (PMID: 27535533)

Labcorp Genetics (formerly Invitae), Labcorp
Classification: Pathogenic. Last evaluated: 2023-07-24. Review status: criteria provided, single submitter. Criteria: Invitae Variant Classification Sherloc (09022015). Collection method: clinical testing. Allele origin: germline.
Comment: ClinVar contains an entry for this variant (Variation ID: 1328700). This variant has been observed in individual(s) with Wiedemann-Steiner syndrome (Invitae). In at least one individual the variant was observed to be de novo. This variant is not present in population databases (gnomAD no frequency). This sequence change affects codon 1986 of the KMT2A mRNA. It is a 'silent' change, meaning that it does not change the encoded amino acid sequence of the KMT2A protein. Algorithms developed to predict the effect of sequence changes on RNA splicing suggest that this variant may disrupt the consensus splice site. For these reasons, this variant has been classified as Pathogenic.

Fulgent Genetics
Classification: Uncertain significance for Wiedemann-Steiner syndrome. Last evaluated: 2021-12-22. Review status: criteria provided, single submitter. Criteria: ACMG Guidelines, 2015. Collection method: clinical testing. Allele origin: unknown.

NM_001197104.2(KMT2A):c.5958C>T (p.Gly1986=)

Gene: KMT2A (lysine methyltransferase 2A; plus strand). Cytogenetic location: 11q23.3.
Variant type: single nucleotide variant.
Coding change: c.5958C>T on transcript NM_001197104.2 (MANE Select); coding-DNA position 5958, C replaced by T.
Protein change: p.Gly1986=; no amino-acid change (glycine 1986 retained).
Molecular consequence: synonymous variant.
Genome position (GRCh38, 1-based): chr11:118,498,525, C>T. VCF-style: chr11-118498525-C-T. GRCh37 (hg19) VCF-style: chr11-118369240-C-T.
Other names: c.5949C>T, p.Gly1983= (NM_005933.4).
Identifiers: ClinVar variation 1328700 (VCV001328700.10), dbSNP rs1555044758, ClinGen allele CA477092217.